The following is an entry in ClinVar:

ClinVar aggregate classification (germline): Benign/Likely benign. Review status: criteria provided, multiple submitters, no conflicts (2 of 4 stars). 2 submissions from 2 submitters: Benign (1); Likely benign (1). Last evaluated 2026-02-01.

Conditions:
Kennedy disease (SMAX1). Also called: SPINAL AND BULBAR MUSCULAR ATROPHY, X-LINKED 1; KENNEDY SPINAL AND BULBAR MUSCULAR ATROPHY; Spinal and Bulbar Muscular Atrophy. Identifiers: Orphanet 481, MedGen C1839259, MONDO:0010735, OMIM 313200.
Androgen resistance syndrome (AIS). Also called: ANDROGEN RECEPTOR DEFICIENCY; DIHYDROTESTOSTERONE RECEPTOR DEFICIENCY; TESTICULAR FEMINIZATION SYNDROME; Androgen insensitivity syndrome; Androgen insensitivity syndrome due to coactivator deficiency; DHTR DEFICIENCY. Identifiers: Orphanet 754, Orphanet 99429, MedGen C0039585, MONDO:0019154, OMIM 300068. Disease mechanism: loss of function.

Allele frequency attached by ClinVar (database versions not stated): gnomAD 0.00002; TOPMed 0.00002; ExAC 0.00003; gnomAD exomes 0.00007; 1000 Genomes Project 30x 0.00021.
gnomAD v4.1: 71 of 1,210,948 alleles (0.0059%); highest among the groups gnomAD compares: Non-Finnish European, 0.0079%; no homozygotes.

Submissions (2):

CeGaT Center for Human Genetics Tuebingen
Classification: Likely benign. Last evaluated: 2026-02-01. Review status: criteria provided, single submitter. Criteria: CeGaT Center For Human Genetics Tuebingen Variant Classification Criteria Version 2. Collection method: clinical testing. Allele origin: germline. Affected: yes. Observed: 1 variant allele.
Comment: AR: BP4, BP7, BS2

Labcorp Genetics (formerly Invitae), Labcorp
Classification: Benign for Kennedy disease; Androgen resistance syndrome. Last evaluated: 2023-08-29. Review status: criteria provided, single submitter. Criteria: Invitae Variant Classification Sherloc (09022015). Collection method: clinical testing. Allele origin: germline.

NM_000044.6(AR):c.807C>T (p.Tyr269=)

Gene: AR (androgen receptor; plus strand). Cytogenetic location: Xq12.
Variant type: single nucleotide variant.
Coding change: c.807C>T on transcript NM_000044.6 (MANE Select); coding-DNA position 807, C replaced by T.
Protein change: p.Tyr269=; no amino-acid change (tyrosine 269 retained).
Molecular consequence: synonymous variant. On other transcripts: 5 prime UTR variant (1).
Genome position (GRCh38, 1-based): chrX:67,545,953, C>T. VCF-style: chrX-67545953-C-T. GRCh37 (hg19) VCF-style: chrX-66765795-C-T.
Other names: c.-977C>T (NM_001011645.3); c.807C>T, p.Tyr269= (NM_001348061.1, NM_001348063.1, NM_001348064.1).
Identifiers: ClinVar variation 2196966 (VCV002196966.8), dbSNP rs767555714, ClinGen allele CA10436319.
Genomic context (GRCh38, chrX:67,545,953, plus strand): 5'-GGGTGTGGAGGCGTTGGAGCATCTGAGTCCAGGGGAACAGCTTCGGGGGGATTGCATGTA[C>T]GCCCCACTTTTGGGAGTTCCACCCGCTGTGCGTCCCACTCCTTGTGCCCCATTGGCCGAA-3'
Protein context (NP_000035.2, residues 259-279): PGEQLRGDCM[Tyr269=]APLLGVPPAV